The following is an entry in ClinVar:

NM_002473.6(MYH9):c.2188C>T (p.Pro730Ser)

Gene: MYH9 (myosin heavy chain 9; minus strand). Cytogenetic location: 22q12.3.
Variant type: single nucleotide variant.
Coding change: c.2188C>T on transcript NM_002473.6 (MANE Select); coding-DNA position 2188, C replaced by T.
Protein change: p.Pro730Ser; replaces proline 730 with serine.
Molecular consequence: missense variant.
Genome position (GRCh38, 1-based): chr22:36,305,074, G>A on the plus strand (C>T on the coding strand, the complement: MYH9 is on the minus strand). VCF-style: chr22-36305074-G-A. GRCh37 (hg19) VCF-style: chr22-36701120-G-A.
Other names: short protein forms P730S.
Identifiers: ClinVar variation 3606281 (VCV003606281.2).

ClinVar aggregate classification (germline): Uncertain significance (1 of 4 stars; one submission).

gnomAD v4.1: 1 of 1,614,118 alleles (0.000062%); highest among the groups gnomAD compares: Non-Finnish European, 0.000085%; no homozygotes.

Submission:

Labcorp Genetics (formerly Invitae), Labcorp
Classification: Uncertain significance. Last evaluated: 2024-10-02. Review status: criteria provided, single submitter. Criteria: Invitae Variant Classification Sherloc (09022015). Collection method: clinical testing. Allele origin: germline.
Comment: This sequence change replaces proline, which is neutral and non-polar, with serine, which is neutral and polar, at codon 730 of the MYH9 protein (p.Pro730Ser). This variant is not present in population databases (gnomAD no frequency). This variant has not been reported in the literature in individuals affected with MYH9-related conditions. Invitae Evidence Modeling of protein sequence and biophysical properties (such as structural, functional, and spatial information, amino acid conservation, physicochemical variation, residue mobility, and thermodynamic stability) indicates that this missense variant is not expected to disrupt MYH9 protein function with a negative predictive value of 95%. In summary, the available evidence is currently insufficient to determine the role of this variant in disease. Therefore, it has been classified as a Variant of Uncertain Significance.